The following is an entry in ClinVar:

ClinVar aggregate classification (germline): Uncertain significance. Review status: criteria provided, single submitter (1 of 4 stars). 2 submissions from 2 submitters: Uncertain significance (1). 1 of the submissions does not count toward it. Last evaluated 2021-12-24.

Conditions:
PCNT-related disorder. Also called: PCNT-related condition.

Allele frequency attached by ClinVar (database versions not stated): gnomAD 0.00001; TOPMed 0.00001; ExAC 0.00004.
gnomAD v4.1: 28 of 1,612,572 alleles (0.0017%); highest among the groups gnomAD compares: South Asian, 0.024%; 1 homozygote.

Submissions (2):

Labcorp Genetics (formerly Invitae), Labcorp
Classification: Uncertain significance. Last evaluated: 2021-12-24. Review status: criteria provided, single submitter. Criteria: Invitae Variant Classification Sherloc (09022015). Collection method: clinical testing. Allele origin: germline.
Comment: This sequence change replaces arginine, which is basic and polar, with cysteine, which is neutral and slightly polar, at codon 3267 of the PCNT protein (p.Arg3267Cys). This variant is present in population databases (rs773911532, gnomAD 0.02%), including at least one homozygous and/or hemizygous individual. This variant has not been reported in the literature in individuals affected with PCNT-related conditions. Algorithms developed to predict the effect of missense changes on protein structure and function (SIFT, PolyPhen-2, Align-GVGD) all suggest that this variant is likely to be tolerated. In summary, the available evidence is currently insufficient to determine the role of this variant in disease. Therefore, it has been classified as a Variant of Uncertain Significance.

PreventionGenetics, part of Exact Sciences
Classification: Uncertain significance for PCNT-related condition. Last evaluated: 2024-05-31. Review status: no assertion criteria provided. Collection method: clinical testing. Allele origin: germline. Not counted in ClinVar's aggregate classification.
Comment: The PCNT c.9799C>T variant is predicted to result in the amino acid substitution p.Arg3267Cys. To our knowledge, this variant has not been reported in the literature. This variant is reported in 0.023% of alleles in individuals of South Asian descent in gnomAD. At this time, the clinical significance of this variant is uncertain due to the absence of conclusive functional and genetic evidence.

NM_006031.6(PCNT):c.9799C>T (p.Arg3267Cys)

Gene: PCNT (pericentrin; plus strand). Cytogenetic location: 21q22.3.
Variant type: single nucleotide variant.
Coding change: c.9799C>T on transcript NM_006031.6 (MANE Select); coding-DNA position 9799, C replaced by T.
Protein change: p.Arg3267Cys; replaces arginine 3267 with cysteine.
Molecular consequence: missense variant.
Genome position (GRCh38, 1-based): chr21:46,443,908, C>T. VCF-style: chr21-46443908-C-T. GRCh37 (hg19) VCF-style: chr21-47863821-C-T.
Other names: c.9208C>T, p.Arg3070Cys (NM_001315529.2); c.9799C>T (NM_006031.5); short protein forms R3070C, R3267C.
Identifiers: ClinVar variation 1905984 (VCV001905984.3), dbSNP rs773911532, ClinGen allele CA10081476.